The following is an entry in ClinVar:

NM_004944.4(DNASE1L3):c.705-3C>T

Gene: DNASE1L3 (deoxyribonuclease 1L3; minus strand). Cytogenetic location: 3p14.3.
Variant type: single nucleotide variant.
Coding change: c.705-3C>T on transcript NM_004944.4 (MANE Select); 3 bases into the intron before coding-DNA position 705, C replaced by T.
Molecular consequence: intron variant.
Genome position (GRCh38, 1-based): chr3:58,193,442, G>A on the plus strand (C>T on the coding strand, the complement: DNASE1L3 is on the minus strand). VCF-style: chr3-58193442-G-A. GRCh37 (hg19) VCF-style: chr3-58179169-G-A.
Other names: c.615-3C>T (NM_001256560.2).
Identifiers: ClinVar variation 726852 (VCV000726852.35), dbSNP rs186823038, ClinGen allele CA2469875.

ClinVar aggregate classification (germline): Likely benign. Review status: criteria provided, multiple submitters, no conflicts (2 of 4 stars). 5 submissions from 5 submitters: Likely benign (5). Last evaluated 2026-01-22.

Conditions:
Autosomal systemic lupus erythematosus type 16. Also called: Systemic lupus erythematosus 16. Identifiers: Orphanet 300345, MedGen C3280742, MONDO:0013743, OMIM 614420.

Allele frequency attached by ClinVar (database versions not stated): gnomAD exomes 0.00022; gnomAD 0.00174 and 0.00187; 1000 Genomes Project 0.00180; TOPMed 0.00193; ESP Exome Variant Server 0.00200; 1000 Genomes Project 30x 0.00203.
gnomAD v4.1: 598 of 1,608,370 alleles (0.037%); highest among the groups gnomAD compares: African/African-American, 0.55%; no homozygotes.

Submissions (5):

Labcorp Genetics (formerly Invitae), Labcorp
Classification: Likely benign. Last evaluated: 2026-01-22. Review status: criteria provided, single submitter. Criteria: Invitae Variant Classification Sherloc (09022015). Collection method: clinical testing. Allele origin: germline.

Blueprint Genetics
Classification: Likely benign. Last evaluated: 2024-11-13. Review status: criteria provided, single submitter. Criteria: ACMG Guidelines, 2015. Collection method: clinical testing. Allele origin: germline.

CeGaT Center for Human Genetics Tuebingen
Classification: Likely benign. Last evaluated: 2023-11-01. Review status: criteria provided, single submitter. Criteria: CeGaT Center For Human Genetics Tuebingen Variant Classification Criteria Version 2. Collection method: clinical testing. Allele origin: germline. Affected: yes. Observed: 1 variant allele.
Comment: DNASE1L3: BP4

Fulgent Genetics
Classification: Likely benign for Autosomal systemic lupus erythematosus type 16. Last evaluated: 2022-05-04. Review status: criteria provided, single submitter. Criteria: ACMG Guidelines, 2015. Collection method: clinical testing. Allele origin: unknown.

Breakthrough Genomics
Classification: Likely benign. Review status: criteria provided, single submitter. Criteria: ACMG Guidelines, 2015. Collection method: not provided. Allele origin: germline. Inheritance: Autosomal recessive inheritance. Affected: yes.